The following is an entry in ClinVar:

ClinVar aggregate classification (germline): Uncertain significance (1 of 4 stars; one submission).

Conditions:
FG syndrome (FGS). Identifiers: MedGen C0220769, MONDO:0002010.

Submission:

Labcorp Genetics (formerly Invitae), Labcorp
Classification: Uncertain significance for FG syndrome. Last evaluated: 2025-12-22. Review status: criteria provided, single submitter. Criteria: Invitae Variant Classification Sherloc (09022015). Collection method: clinical testing. Allele origin: germline.
Comment: This sequence change replaces arginine, which is basic and polar, with leucine, which is neutral and non-polar, at codon 422 of the MED12 protein (p.Arg422Leu). This variant is not present in population databases (gnomAD no frequency). This variant has not been reported in the literature in individuals affected with MED12-related conditions. Invitae Evidence Modeling of protein sequence and biophysical properties (such as structural, functional, and spatial information, amino acid conservation, physicochemical variation, residue mobility, and thermodynamic stability) has been performed for this missense variant. However, the output from this modeling did not meet the statistical confidence thresholds required to predict the impact of this variant on MED12 protein function. In summary, the available evidence is currently insufficient to determine the role of this variant in disease. Therefore, it has been classified as a Variant of Uncertain Significance.

NM_005120.3(MED12):c.1265G>T (p.Arg422Leu)

Gene: MED12 (mediator complex subunit 12; plus strand). Cytogenetic location: Xq13.1.
Variant type: single nucleotide variant.
Coding change: c.1265G>T on transcript NM_005120.3 (MANE Select); coding-DNA position 1265, G replaced by T.
Protein change: p.Arg422Leu; replaces arginine 422 with leucine.
Molecular consequence: missense variant.
Genome position (GRCh38, 1-based): chrX:71,122,524, G>T. VCF-style: chrX-71122524-G-T. GRCh37 (hg19) VCF-style: chrX-70342374-G-T.
Other names: short protein forms R422L.
Identifiers: ClinVar variation 4801061 (VCV004801061.1).
Genomic context (GRCh38, chrX:71,122,524, plus strand): 5'-TATGCCTTGGTACATCCTTGTAGCCTTCCTTTTTAACATTGCAGGTCCGTGCAAAGTTGC[G>T]GGAGATCGAGCAGCAGATCAAGGAGCGGGGACAGGCAGTTGAAGTTCGCTGGTCTTTCGA-3'
Protein context (NP_005111.2, residues 412-432): AFTQQVRAKL[Arg422Leu]EIEQQIKERG